The following is an entry in ClinVar:

NM_152564.5(VPS13B):c.2580C>G (p.Tyr860Ter)

Gene: VPS13B (vacuolar protein sorting 13 homolog B; plus strand). Cytogenetic location: 8q22.2.
Variant type: single nucleotide variant.
Coding change: c.2580C>G on transcript NM_152564.5 (MANE Select); coding-DNA position 2580, C replaced by G.
Protein change: p.Tyr860Ter; replaces tyrosine 860 with a stop codon.
Molecular consequence: nonsense.
Genome position (GRCh38, 1-based): chr8:99,274,262, C>G. VCF-style: chr8-99274262-C-G. GRCh37 (hg19) VCF-style: chr8-100286490-C-G.
Other names: c.2580C>G, p.Tyr860Ter (NM_017890.5); short protein forms Y860*.
Identifiers: ClinVar variation 5014181 (VCV005014181.1).

ClinVar aggregate classification (germline): Pathogenic (1 of 4 stars; one submission).

Conditions:
Cohen syndrome (COH1). Also called: PEPPER SYNDROME; Cutis verticis gyrata, retinitis pigmentosa, and sensorineural deafness. Identifiers: Orphanet 193, MedGen C0265223, MONDO:0008999, OMIM 216550.

Submission:

Myriad Genetics, Inc.
Classification: Pathogenic for Cohen syndrome. Last evaluated: 2025-03-07. Review status: criteria provided, single submitter. Criteria: Myriad Autosomal Dominant, Autosomal Recessive and X-Linked Classification Criteria (2023). Collection method: clinical testing. Allele origin: unknown.
Comment: NM_017890.4(VPS13B):c.2580C>G(Y860*) is expected to be pathogenic in the context of Cohen syndrome. This variant is predicted to lead to an abnormal or absent protein product due to the creation of a premature termination codon in VPS13B, a gene where loss-of-function variants are known to be pathogenic. Please note: this variant was assessed in the context of healthy population screening.